The following is an entry in ClinVar:

ClinVar aggregate classification (germline): Uncertain significance (1 of 4 stars; one submission).

Conditions:
Charcot-Marie-Tooth disease dominant intermediate B (CMTDIB). Also called: Charcot-Marie-Tooth disease dominant intermediate 1; CMT DI1; Charcot-Marie-Tooth disease dominant intermediate I; CHARCOT-MARIE-TOOTH NEUROPATHY, DOMINANT INTERMEDIATE B. Identifiers: Orphanet 100044, Orphanet 228179, MedGen C1847902, MONDO:0011674, OMIM 606482.

Allele frequency attached by ClinVar (database versions not stated): ExAC 0.00001; gnomAD 0.00001; 1000 Genomes Project 30x 0.00016; 1000 Genomes Project 0.00020.
gnomAD v4.1: 1 of 1,613,916 alleles (0.000062%); highest among the groups gnomAD compares: East Asian, 0.0022%; no homozygotes.

Submission:

Labcorp Genetics (formerly Invitae), Labcorp
Classification: Uncertain significance for Charcot-Marie-Tooth disease dominant intermediate B. Last evaluated: 2021-12-24. Review status: criteria provided, single submitter. Criteria: Invitae Variant Classification Sherloc (09022015). Collection method: clinical testing. Allele origin: germline.
Comment: In summary, the available evidence is currently insufficient to determine the role of this variant in disease. Therefore, it has been classified as a Variant of Uncertain Significance. Algorithms developed to predict the effect of missense changes on protein structure and function are either unavailable or do not agree on the potential impact of this missense change (SIFT: "Tolerated"; PolyPhen-2: "Probably Damaging"; Align-GVGD: "Class C0"). This variant has not been reported in the literature in individuals affected with DNM2-related conditions. This variant is present in population databases (rs536958788, gnomAD 0.006%). This sequence change replaces serine, which is neutral and polar, with phenylalanine, which is neutral and non-polar, at codon 701 of the DNM2 protein (p.Ser701Phe).

NM_001005361.3(DNM2):c.2102C>T (p.Ser701Phe)

Gene: DNM2 (dynamin 2; plus strand). Cytogenetic location: 19p13.2.
Variant type: single nucleotide variant.
Coding change: c.2102C>T on transcript NM_001005361.3 (MANE Select); coding-DNA position 2102, C replaced by T.
Protein change: p.Ser701Phe; replaces serine 701 with phenylalanine.
Molecular consequence: missense variant.
Genome position (GRCh38, 1-based): chr19:10,829,079, C>T. VCF-style: chr19-10829079-C-T. GRCh37 (hg19) VCF-style: chr19-10939755-C-T.
Other names: c.2102C>T, p.Ser701Phe (NM_001005360.3, NM_001190716.2); c.2090C>T, p.Ser697Phe (NM_001005362.3, NM_004945.4); short protein forms S701F, S697F.
Identifiers: ClinVar variation 2057042 (VCV002057042.4), dbSNP rs536958788, ClinGen allele CA9201523.